The following is an entry in ClinVar:

NM_015378.4(VPS13D):c.8198G>A (p.Arg2733His)

Gene: VPS13D (vacuolar protein sorting 13 homolog D; plus strand). Cytogenetic location: 1p36.22.
Variant type: single nucleotide variant.
Coding change: c.8198G>A on transcript NM_015378.4 (MANE Select); coding-DNA position 8198, G replaced by A.
Protein change: p.Arg2733His; replaces arginine 2733 with histidine.
Molecular consequence: missense variant.
Genome position (GRCh38, 1-based): chr1:12,329,829, G>A. VCF-style: chr1-12329829-G-A. GRCh37 (hg19) VCF-style: chr1-12389886-G-A.
Other names: p.Arg2733His; c.8198G>A, p.Arg2733His (NM_018156.4); c.8198G>A (NM_015378.3, NM_015378.2); short protein forms R2733H.
Identifiers: ClinVar variation 1903771 (VCV001903771.9), dbSNP rs772524965, ClinGen allele CA18037232.

ClinVar aggregate classification (germline): Uncertain significance. Review status: criteria provided, multiple submitters, no conflicts (2 of 4 stars). 4 submissions from 4 submitters: Uncertain significance (4). Last evaluated 2026-02-27.

Conditions:
Inborn genetic diseases. Identifiers: MedGen C0950123, MeSH D030342.

gnomAD v4.1: 26 of 1,613,994 alleles (0.0016%); highest among the groups gnomAD compares: Non-Finnish European, 0.0022%; no homozygotes.

Submissions (4):

Ambry Genetics
Classification: Uncertain significance for Inborn genetic diseases. Last evaluated: 2026-02-27. Review status: criteria provided, single submitter. Criteria: Ambry Variant Classification Scheme 2023. Collection method: clinical testing. Allele origin: germline.

GeneDx
Classification: Uncertain significance. Last evaluated: 2026-01-15. Review status: criteria provided, single submitter. Criteria: GeneDx Variant Classification Process June 2021. Collection method: clinical testing. Allele origin: germline.
Comment: Not observed at significant frequency in large population cohorts (gnomAD); In silico analysis supports that this missense variant has a deleterious effect on protein structure/function; Has not been previously published as pathogenic or benign to our knowledge

Mayo Clinic Laboratories, Mayo Clinic
Classification: Uncertain significance. Last evaluated: 2023-12-07. Review status: criteria provided, single submitter. Criteria: ACMG Guidelines, 2015. Collection method: clinical testing. Allele origin: germline. Observed: 1 variant allele.
Comment: BP4, PM2_moderate

Labcorp Genetics (formerly Invitae), Labcorp
Classification: Uncertain significance. Last evaluated: 2022-04-29. Review status: criteria provided, single submitter. Criteria: Invitae Variant Classification Sherloc (09022015). Collection method: clinical testing. Allele origin: germline.
Comment: This sequence change replaces arginine, which is basic and polar, with histidine, which is basic and polar, at codon 2733 of the VPS13D protein (p.Arg2733His). This variant is present in population databases (rs772524965, gnomAD 0.0009%). This variant has not been reported in the literature in individuals affected with VPS13D-related conditions. Algorithms developed to predict the effect of missense changes on protein structure and function are either unavailable or do not agree on the potential impact of this missense change (SIFT: "Not Available"; PolyPhen-2: "Possibly Damaging"; Align-GVGD: "Not Available"). In summary, the available evidence is currently insufficient to determine the role of this variant in disease. Therefore, it has been classified as a Variant of Uncertain Significance.